The following is an entry in ClinVar:

ClinVar aggregate classification (germline): Uncertain significance (1 of 4 stars; one submission).

Submission:

Labcorp Genetics (formerly Invitae), Labcorp
Classification: Uncertain significance. Last evaluated: 2025-02-25. Review status: criteria provided, single submitter. Criteria: Invitae Variant Classification Sherloc (09022015). Collection method: clinical testing. Allele origin: germline.
Comment: This sequence change replaces leucine, which is neutral and non-polar, with glutamine, which is neutral and polar, at codon 36 of the LRP5 protein (p.Leu36Gln). This variant is not present in population databases (gnomAD no frequency). This variant has not been reported in the literature in individuals affected with LRP5-related conditions. Invitae Evidence Modeling of protein sequence and biophysical properties (such as structural, functional, and spatial information, amino acid conservation, physicochemical variation, residue mobility, and thermodynamic stability) indicates that this missense variant is expected to disrupt LRP5 protein function with a positive predictive value of 95%. In summary, the available evidence is currently insufficient to determine the role of this variant in disease. Therefore, it has been classified as a Variant of Uncertain Significance.

NM_002335.4(LRP5):c.107T>A (p.Leu36Gln)

Gene: LRP5 (LDL receptor related protein 5; plus strand). Cytogenetic location: 11q13.2.
Variant type: single nucleotide variant.
Coding change: c.107T>A on transcript NM_002335.4 (MANE Select); coding-DNA position 107, T replaced by A.
Protein change: p.Leu36Gln; replaces leucine 36 with glutamine.
Molecular consequence: missense variant. On other transcripts: 5 prime UTR variant (1).
Genome position (GRCh38, 1-based): chr11:68,347,862, T>A. VCF-style: chr11-68347862-T-A. GRCh37 (hg19) VCF-style: chr11-68115330-T-A.
Other names: c.-1659T>A (NM_001291902.2); short protein forms L36Q.
Identifiers: ClinVar variation 4800443 (VCV004800443.1).